The following is an entry in ClinVar:

NM_032776.3(JMJD1C):c.7052T>A (p.Ile2351Lys)

Gene: JMJD1C (jumonji domain containing 1C; minus strand). Cytogenetic location: 10q21.3.
Variant type: single nucleotide variant.
Coding change: c.7052T>A on transcript NM_032776.3 (MANE Select); coding-DNA position 7052, T replaced by A.
Protein change: p.Ile2351Lys; replaces isoleucine 2351 with lysine.
Molecular consequence: missense variant. On other transcripts: non-coding transcript variant (1).
Genome position (GRCh38, 1-based): chr10:63,183,479, A>T on the plus strand (T>A on the coding strand, the complement: JMJD1C is on the minus strand). VCF-style: chr10-63183479-A-T. GRCh37 (hg19) VCF-style: chr10-64943239-A-T.
Other names: c.6506T>A, p.Ile2169Lys (NM_001282948.2, NM_001318154.2); c.6188T>A, p.Ile2063Lys (NM_001318153.2); c.6938T>A, p.Ile2313Lys (NM_001322252.2); c.6395T>A, p.Ile2132Lys (NM_001322254.2, NM_001322258.2); short protein forms I2132K, I2169K, I2063K, I2313K, I2351K.
Identifiers: ClinVar variation 3641043 (VCV003641043.2).

ClinVar aggregate classification (germline): Uncertain significance (1 of 4 stars; one submission).

Conditions:
Early Myoclonic Encephalopathy. Identifiers: MedGen C0270855.

Submission:

Labcorp Genetics (formerly Invitae), Labcorp
Classification: Uncertain significance for Early Myoclonic Encephalopathy. Last evaluated: 2024-02-15. Review status: criteria provided, single submitter. Criteria: Invitae Variant Classification Sherloc (09022015). Collection method: clinical testing. Allele origin: germline.
Comment: This sequence change replaces isoleucine, which is neutral and non-polar, with lysine, which is basic and polar, at codon 2351 of the JMJD1C protein (p.Ile2351Lys). This variant is not present in population databases (gnomAD no frequency). This variant has not been reported in the literature in individuals affected with JMJD1C-related conditions. Advanced modeling of protein sequence and biophysical properties (such as structural, functional, and spatial information, amino acid conservation, physicochemical variation, residue mobility, and thermodynamic stability) has been performed at Invitae for this missense variant, however the output from this modeling did not meet the statistical confidence thresholds required to predict the impact of this variant on JMJD1C protein function. In summary, the available evidence is currently insufficient to determine the role of this variant in disease. Therefore, it has been classified as a Variant of Uncertain Significance.